The following is an entry in ClinVar:

NM_178822.5(IGSF10):c.5820C>A (p.Ser1940Arg)

Gene: IGSF10 (immunoglobulin superfamily member 10; minus strand). Cytogenetic location: 3q25.1.
Variant type: single nucleotide variant.
Coding change: c.5820C>A on transcript NM_178822.5 (MANE Select); coding-DNA position 5820, C replaced by A.
Protein change: p.Ser1940Arg; replaces serine 1940 with arginine.
Molecular consequence: missense variant.
Genome position (GRCh38, 1-based): chr3:151,443,127, G>T on the plus strand (C>A on the coding strand, the complement: IGSF10 is on the minus strand). VCF-style: chr3-151443127-G-T. GRCh37 (hg19) VCF-style: chr3-151160915-G-T.
Other names: c.5820C>A, p.Ser1940Arg (NM_001385060.1, NM_001385061.1, NM_001385062.1 and 1 more transcripts); short protein forms S1940R.
Identifiers: ClinVar variation 2809438 (VCV002809438.3), dbSNP rs1720957442, ClinGen allele CA354992743.

ClinVar aggregate classification (germline): Uncertain significance (1 of 4 stars; one submission).

Submission:

Labcorp Genetics (formerly Invitae), Labcorp
Classification: Uncertain significance. Last evaluated: 2023-09-01. Review status: criteria provided, single submitter. Criteria: Invitae Variant Classification Sherloc (09022015). Collection method: clinical testing. Allele origin: germline.
Comment: In summary, the available evidence is currently insufficient to determine the role of this variant in disease. Therefore, it has been classified as a Variant of Uncertain Significance. An algorithm developed to predict the effect of missense changes on protein structure and function (PolyPhen-2) suggests that this variant is likely to be tolerated. This variant has not been reported in the literature in individuals affected with IGSF10-related conditions. This variant is not present in population databases (gnomAD no frequency). This sequence change replaces serine, which is neutral and polar, with arginine, which is basic and polar, at codon 1940 of the IGSF10 protein (p.Ser1940Arg).